The following is an entry in ClinVar:

NM_001242957.3(MAK):c.358+1G>A

Gene: MAK (male germ cell associated kinase; minus strand). Cytogenetic location: 6p24.2.
Variant type: single nucleotide variant.
Coding change: c.358+1G>A on transcript NM_001242957.3 (MANE Select); the canonical splice donor site of the intron after coding-DNA position 358, G replaced by A.
Molecular consequence: splice donor variant.
Genome position (GRCh38, 1-based): chr6:10,813,643, C>T on the plus strand (G>A on the coding strand, the complement: MAK is on the minus strand). VCF-style: chr6-10813643-C-T. GRCh37 (hg19) VCF-style: chr6-10813876-C-T.
Other names: c.256+1G>A (NM_001377262.1); c.358+1G>A (NM_005906.6, NM_001242385.2).
Identifiers: ClinVar variation 3641271 (VCV003641271.2).

ClinVar aggregate classification (germline): Likely pathogenic (1 of 4 stars; one submission).

gnomAD v4.1: 1 of 1,555,368 alleles (0.000064%); highest among the groups gnomAD compares: Non-Finnish European, 0.000089%; no homozygotes.

Submission:

Labcorp Genetics (formerly Invitae), Labcorp
Classification: Likely pathogenic. Last evaluated: 2024-02-22. Review status: criteria provided, single submitter. Criteria: Invitae Variant Classification Sherloc (09022015). Collection method: clinical testing. Allele origin: germline.
Comment: This sequence change affects a donor splice site in intron 4 of the MAK gene. It is expected to disrupt RNA splicing. Variants that disrupt the donor or acceptor splice site typically lead to a loss of protein function (PMID: 16199547), and loss-of-function variants in MAK are known to be pathogenic (PMID: 21148103, 21825139, 24938718, 29781741). This variant is not present in population databases (gnomAD no frequency). This variant has not been reported in the literature in individuals affected with MAK-related conditions. Algorithms developed to predict the effect of sequence changes on RNA splicing suggest that this variant may disrupt the consensus splice site. In summary, the currently available evidence indicates that the variant is pathogenic, but additional data are needed to prove that conclusively. Therefore, this variant has been classified as Likely Pathogenic.

Literature cited by the submitters: PubMed 16199547; PubMed 21148103; PubMed 21825139; PubMed 24938718; PubMed 29781741.